The following is an entry in ClinVar:

ClinVar aggregate classification (germline): Benign. Review status: criteria provided, multiple submitters, no conflicts (2 of 4 stars). 3 submissions from 3 submitters: Benign (2). 1 of the submissions does not count toward it. Last evaluated 2021-02-23.

Conditions:
A2M POLYMORPHISM.

Submissions (3):

GeneDx
Classification: Benign. Last evaluated: 2021-02-23. Review status: criteria provided, single submitter. Criteria: GeneDx Variant Classification Process June 2021. Collection method: clinical testing. Allele origin: germline. Affected: yes.
Comment: This variant is associated with the following publications: (PMID: 1717945, 24039871, 9697696, 11041282, 15130954, 32531432)

Laboratory for Molecular Medicine, Mass General Brigham Personalized Medicine
Classification: Benign. Last evaluated: 2016-03-28. Review status: criteria provided, single submitter. Criteria: LMM Criteria. Collection method: clinical testing. Allele origin: germline.
Comment: Variant identified in a genome or exome case(s) and assessed due to predicted null impact of the variant or pathogenic assertions in the literature or databases. Disclaimer: This variant has not undergone full assessment. The following are preliminary notes: Frequency in 1000Genomes: 305/2178=14%

OMIM
Classification: Benign for A2M POLYMORPHISM. Last evaluated: 1998-08-01. Review status: no assertion criteria provided. Collection method: literature only. Allele origin: germline. Not counted in ClinVar's aggregate classification.

Literature cited by the submitters: PubMed 1717945 (cited by OMIM); PubMed 9697696 (cited by OMIM).

NM_000014.6(A2M):c.2126-6_2126-2del

Genes: A2M (alpha-2-macroglobulin; minus strand), KLRG1 (killer cell lectin like receptor G1; plus strand). Cytogenetic location: 12p13.31.
Variant type: Deletion.
Coding change: c.2126-6_2126-2del on transcript NM_000014.6 (MANE Select); 6 bases into the intron before coding-DNA position 2126 through the canonical splice acceptor site of the intron before coding-DNA position 2126, 5 bases deleted (CCATA; older notation c.2126-6_2126-2delCCATA).
Molecular consequence: splice acceptor variant.
Genome position (GRCh38, 1-based): chr12:9,093,581-9,093,585, TATGG deleted on the plus strand (CCATA on the coding strand, the reverse complement: A2M is on the minus strand); deleting any 5 consecutive bases within chr12:9,093,581-9,093,586 gives the same sequence; the c. name uses the placement nearest the transcript's 3' end. VCF-style (leftmost placement, unchanged base first): chr12-9093580-CTATGG-C. GRCh37 (hg19) VCF-style: chr12-9246176-CTATGG-C.
Other names: A2M, 5-BP DEL; A2M, EX18DEL; EX18DEL; c.2126-6_2126-2del (NM_001347423.2); c.1676-6_1676-2del (NM_001347425.2); c.1826-6_1826-2del (NM_001347424.2).
Identifiers: ClinVar variation 402328 (VCV000402328.9), dbSNP rs1799759, ClinGen allele CA127865.
Genomic context (GRCh38, chr12:9,093,580, plus strand): 5'-CCGTGTGAGGCTCTTCAACATGCACCAGGCGTGCATGGCCTCTTCCCATTACATCTGACT[CTATGG>C]TGAGTGAGGAAGAAGACATTACAATAAACATACAGATAAAGCTTATGAGAGAATGTAATA-3'